The following is an entry in ClinVar:

ClinVar aggregate classification (germline): Pathogenic (1 of 4 stars; one submission).

Conditions:
Sandhoff disease. Also called: Beta-hexosaminidase-beta-subunit deficiency; GM2 gangliosidosis, type 2; Total hexosaminidase deficiency; Sandhoff-Jatzkewitz-Pilz disease; GM2-GANGLIOSIDOSIS, TYPE II; HEXOSAMINIDASES A AND B DEFICIENCY. Identifiers: Orphanet 796, MedGen C0036161, MONDO:0010006, OMIM 268800.

Submission:

Labcorp Genetics (formerly Invitae), Labcorp
Classification: Pathogenic for Sandhoff disease. Last evaluated: 2022-05-28. Review status: criteria provided, single submitter. Criteria: Invitae Variant Classification Sherloc (09022015). Collection method: clinical testing. Allele origin: germline.
Comment: For these reasons, this variant has been classified as Pathogenic. This variant has not been reported in the literature in individuals affected with HEXB-related conditions. This variant is not present in population databases (gnomAD no frequency). This sequence change creates a premature translational stop signal (p.Trp298*) in the HEXB gene. It is expected to result in an absent or disrupted protein product. Loss-of-function variants in HEXB are known to be pathogenic (PMID: 7550345, 18758829).

Literature cited by the submitters: PubMed 7550345; PubMed 18758829.

NM_000521.4(HEXB):c.894G>A (p.Trp298Ter)

Gene: HEXB (hexosaminidase subunit beta; plus strand). Cytogenetic location: 5q13.3.
Variant type: single nucleotide variant.
Coding change: c.894G>A on transcript NM_000521.4 (MANE Select); coding-DNA position 894, G replaced by A.
Protein change: p.Trp298Ter; replaces tryptophan 298 with a stop codon.
Molecular consequence: nonsense.
Genome position (GRCh38, 1-based): chr5:74,713,628, G>A. VCF-style: chr5-74713628-G-A. GRCh37 (hg19) VCF-style: chr5-74009453-G-A.
Other names: c.219G>A, p.Trp73Ter (NM_001292004.2); short protein forms W73*, W298*.
Identifiers: ClinVar variation 1999812 (VCV001999812.4), dbSNP rs1439544901, ClinGen allele CA360067211.